The following is an entry in ClinVar:

NM_001329943.3(KIAA0586):c.344A>C (p.Asn115Thr)

Gene: KIAA0586 (KIAA0586; plus strand). Cytogenetic location: 14q23.1.
Variant type: single nucleotide variant.
Coding change: c.344A>C on transcript NM_001329943.3 (MANE Select); coding-DNA position 344, A replaced by C.
Protein change: p.Asn115Thr; replaces asparagine 115 with threonine.
Molecular consequence: missense variant.
Genome position (GRCh38, 1-based): chr14:58,432,391, A>C. VCF-style: chr14-58432391-A-C. GRCh37 (hg19) VCF-style: chr14-58899109-A-C.
Other names: c.380A>C, p.Asn127Thr (NM_001244189.2); c.299A>C, p.Asn100Thr (NM_001244190.2); c.89A>C, p.Asn30Thr (NM_001244191.2, NM_001244192.2, NM_001329945.2 and 2 more transcripts); c.344A>C, p.Asn115Thr (NM_001329944.2, NM_001329946.2, NM_001329947.2 and 1 more transcripts); short protein forms N127T, N30T, N100T, N115T.
Identifiers: ClinVar variation 1975836 (VCV001975836.5), dbSNP rs2542528212, ClinGen allele CA389859882.

ClinVar aggregate classification (germline): Uncertain significance (1 of 4 stars; one submission).

Conditions:
Joubert syndrome 23 (JBTS23). Identifiers: Orphanet 475, MedGen C4084822, MONDO:0014664, OMIM 616490.
Short-rib thoracic dysplasia 14 with polydactyly (SRTD14). Identifiers: Orphanet 397715, MedGen C4225286, MONDO:0014688, OMIM 616546.

Submission:

Labcorp Genetics (formerly Invitae), Labcorp
Classification: Uncertain significance for Joubert syndrome 23; Short-rib thoracic dysplasia 14 with polydactyly. Last evaluated: 2022-07-21. Review status: criteria provided, single submitter. Criteria: Invitae Variant Classification Sherloc (09022015). Collection method: clinical testing. Allele origin: germline.
Comment: This sequence change replaces asparagine, which is neutral and polar, with threonine, which is neutral and polar, at codon 127 of the KIAA0586 protein (p.Asn127Thr). This variant is not present in population databases (gnomAD no frequency). This variant has not been reported in the literature in individuals affected with KIAA0586-related conditions. Algorithms developed to predict the effect of missense changes on protein structure and function are either unavailable or do not agree on the potential impact of this missense change (SIFT: "Deleterious"; PolyPhen-2: "Benign"; Align-GVGD: "Class C0"). In summary, the available evidence is currently insufficient to determine the role of this variant in disease. Therefore, it has been classified as a Variant of Uncertain Significance.